The following is an entry in ClinVar:

NM_004615.4(TSPAN7):c.559C>T (p.His187Tyr)

Gene: TSPAN7 (tetraspanin 7; plus strand). Cytogenetic location: Xp11.4.
Variant type: single nucleotide variant.
Coding change: c.559C>T on transcript NM_004615.4 (MANE Select); coding-DNA position 559, C replaced by T.
Protein change: p.His187Tyr; replaces histidine 187 with tyrosine.
Molecular consequence: missense variant.
Genome position (GRCh38, 1-based): chrX:38,675,822, C>T. VCF-style: chrX-38675822-C-T. GRCh37 (hg19) VCF-style: chrX-38535076-C-T.
Other names: short protein forms H187Y.
Identifiers: ClinVar variation 4599966 (VCV004599966.1).

ClinVar aggregate classification (germline): Uncertain significance (1 of 4 stars; one submission).

gnomAD v4.1: 5 of 1,209,934 alleles (0.00041%); highest among the groups gnomAD compares: African/African-American, 0.0052%; no homozygotes.

Submission:

Ambry Genetics
Classification: Uncertain significance. Last evaluated: 2025-11-12. Review status: criteria provided, single submitter. Criteria: Ambry Variant Classification Scheme 2023. Collection method: clinical testing. Allele origin: germline.
Comment: The c.559C>T (p.H187Y) alteration is located in exon 5 (coding exon 5) of the TSPAN7 gene. This alteration results from a C to T substitution at nucleotide position 559, causing the histidine (H) at amino acid position 187 to be replaced by a tyrosine (Y). Based on data from gnomAD, the T allele has an overall frequency of 0.002% (3/182824) total alleles studied. The highest observed frequency was 0.008% (1/13137) of African alleles. Based on insufficient or conflicting evidence, the clinical significance of this alteration remains unclear.